The following is an entry in ClinVar:

NM_000497.4(CYP11B1):c.1145T>G (p.Leu382Arg)

Genes: CYP11B1 (cytochrome P450 family 11 subfamily B member 1; minus strand), LOC106799833 (CYP11B1 recombination region; plus strand). Cytogenetic location: 8q24.3.
Variant type: single nucleotide variant.
Coding change: c.1145T>G on transcript NM_000497.4 (MANE Select); coding-DNA position 1145, T replaced by G.
Protein change: p.Leu382Arg; replaces leucine 382 with arginine.
Molecular consequence: missense variant.
Genome position (GRCh38, 1-based): chr8:142,875,289, A>C on the plus strand (T>G on the coding strand, the complement: CYP11B1 is on the minus strand). VCF-style: chr8-142875289-A-C. GRCh37 (hg19) VCF-style: chr8-143956705-A-C.
Other names: c.1145T>G, p.Leu382Arg (NM_001026213.1); short protein forms L382R.
Identifiers: ClinVar variation 557468 (VCV000557468.5), dbSNP rs1412048304, ClinGen allele CA372392543.

ClinVar aggregate classification (germline): Likely pathogenic. Review status: criteria provided, multiple submitters, no conflicts (2 of 4 stars). 4 submissions from 4 submitters: Likely pathogenic (3). 1 of the submissions does not count toward it. Last evaluated 2024-06-20.

Conditions:
Deficiency of steroid 11-beta-monooxygenase (CYP11B1). Also called: ADRENAL HYPERPLASIA, CONGENITAL, DUE TO STEROID 11-BETA-HYDROXYLASE DEFICIENCY; 11-BETA-HYDROXYLASE DEFICIENCY; Congenital adrenal hyperplasia due to 11-beta-hydroxylase deficiency; P450C11B1 DEFICIENCY; STEROID 11-BETA-HYDROXYLASE DEFICIENCY; ADRENAL HYPERPLASIA IV. Identifiers: Orphanet 90795, MedGen C0268292, MONDO:0008729, OMIM 202010. Disease mechanism: loss of function.
Glucocorticoid-remediable aldosteronism. Also called: FH I; ACTH-DEPENDENT HYPERALDOSTERONISM SYNDROME; ALDOSTERONISM, SENSITIVE TO DEXAMETHASONE; Hyperaldosteronism, familial, type I; GLUCOCORTICOID-SUPPRESSIBLE HYPERALDOSTERONISM. Identifiers: Orphanet 403, MedGen C3838731, MONDO:0007080, OMIM 103900.
Congenital adrenal hyperplasia. Identifiers: Orphanet 418, MedGen C0001627, MONDO:0018479, HP:0008258.

Allele frequency attached by ClinVar (database versions not stated): gnomAD exomes 0.00001.

Submissions (4):

Fulgent Genetics
Classification: Likely pathogenic for Glucocorticoid-remediable aldosteronism; Deficiency of steroid 11-beta-monooxygenase. Last evaluated: 2024-06-20. Review status: criteria provided, single submitter. Criteria: ACMG Guidelines, 2015. Collection method: clinical testing. Allele origin: germline.

Women's Health and Genetics/Laboratory Corporation of America, LabCorp
Classification: Likely pathogenic for Congenital adrenal hyperplasia. Last evaluated: 2024-06-20. Review status: criteria provided, single submitter. Criteria: LabCorp Variant Classification Summary - May 2015. Collection method: clinical testing. Allele origin: germline.
Comment: Variant summary: CYP11B1 c.1145T>G (p.Leu382Arg) results in a non-conservative amino acid change in the encoded protein sequence. Four of five in-silico tools predict a damaging effect of the variant on protein function. The variant allele was found at a frequency of 8e-06 in 250738 control chromosomes. This suggests the variant may be associated with disease. At least one publication reports experimental evidence evaluating an impact on protein function and found that the variant results in a complete loss of CYP11B1 enzymatic activity in vitro (Mooij_2015). The following publication has been ascertained in the context of this evaluation (PMID: 26053152). ClinVar contains an entry for this variant (Variation ID: 557468). Based on the evidence outlined above, the variant was classified as likely pathogenic.

Baylor Genetics
Classification: Likely pathogenic for Deficiency of steroid 11-beta-monooxygenase. Last evaluated: 2023-11-27. Review status: criteria provided, single submitter. Criteria: ACMG Guidelines, 2015. Collection method: clinical testing. Allele origin: unknown.

Counsyl
Classification: Uncertain significance for Deficiency of steroid 11-beta-monooxygenase. Last evaluated: 2018-03-27. Review status: no assertion criteria provided. Collection method: clinical testing. Allele origin: unknown. Not counted in ClinVar's aggregate classification.

Literature cited by the submitters: PubMed 26053152 (cited by Women's Health and Genetics/Laboratory Corporation of America, LabCorp and Counsyl).